The following is an entry in ClinVar:

ClinVar aggregate classification (germline): Uncertain significance (1 of 4 stars; one submission).

Conditions:
Combined immunodeficiency due to STIM1 deficiency. Also called: STIM1 DEFICIENCY; IMMUNODEFICIENCY 10. Identifiers: Orphanet 169090, Orphanet 317430, MedGen C2748557, MONDO:0013008, OMIM 612783.
Myopathy with tubular aggregates (TAM). Also called: Tubular Aggregate Myopathy. Identifiers: Orphanet 2593, MedGen C0410207, MONDO:0008051.
Stormorken syndrome (STRMK). Also called: THROMBOCYTOPATHY, ASPLENIA, AND MIOSIS. Identifiers: Orphanet 3204, MedGen C1861451, MONDO:0008497, OMIM 185070.

gnomAD v4.1: 2 of 1,571,652 alleles (0.00013%); highest among the groups gnomAD compares: Admixed American, 0.0019%; no homozygotes.

Submission:

Labcorp Genetics (formerly Invitae), Labcorp
Classification: Uncertain significance for Myopathy with tubular aggregates; Combined immunodeficiency due to STIM1 deficiency; Stormorken syndrome. Last evaluated: 2025-03-25. Review status: criteria provided, single submitter. Criteria: Invitae Variant Classification Sherloc (09022015). Collection method: clinical testing. Allele origin: germline.
Comment: This sequence change replaces lysine, which is basic and polar, with arginine, which is basic and polar, at codon 315 of the STIM1 protein (p.Lys315Arg). This variant is not present in population databases (gnomAD no frequency). This variant has not been reported in the literature in individuals affected with STIM1-related conditions. Invitae Evidence Modeling of protein sequence and biophysical properties (such as structural, functional, and spatial information, amino acid conservation, physicochemical variation, residue mobility, and thermodynamic stability) has been performed for this missense variant. However, the output from this modeling did not meet the statistical confidence thresholds required to predict the impact of this variant on STIM1 protein function. In summary, the available evidence is currently insufficient to determine the role of this variant in disease. Therefore, it has been classified as a Variant of Uncertain Significance.

NM_001382567.1(STIM1):c.944A>G (p.Lys315Arg)

Gene: STIM1 (stromal interaction molecule 1; plus strand). Cytogenetic location: 11p15.4.
Variant type: single nucleotide variant.
Coding change: c.944A>G on transcript NM_001382567.1 (MANE Select); coding-DNA position 944, A replaced by G.
Protein change: p.Lys315Arg; replaces lysine 315 with arginine.
Molecular consequence: missense variant.
Genome position (GRCh38, 1-based): chr11:4,074,654, A>G. VCF-style: chr11-4074654-A-G. GRCh37 (hg19) VCF-style: chr11-4095884-A-G.
Other names: c.722A>G, p.Lys241Arg (NM_001382578.1, NM_001382579.1, NM_001382566.1 and 5 more transcripts); c.455A>G, p.Lys152Arg (NM_001382580.1, NM_001382581.1); c.944A>G, p.Lys315Arg (NM_003156.4, NM_001277961.3, NM_001277962.2 and 2 more transcripts); c.809A>G, p.Lys270Arg (NM_001382569.1); c.716A>G, p.Lys239Arg (NM_001382570.1); c.464A>G, p.Lys155Arg (NM_001382571.1); short protein forms K239R, K270R, K155R, K241R, K152R, K315R.
Identifiers: ClinVar variation 4791669 (VCV004791669.1).